The following is an entry in ClinVar:

NM_001374736.1(DST):c.17153A>G (p.His5718Arg)

Gene: DST (dystonin; minus strand). Cytogenetic location: 6p12.1.
Variant type: single nucleotide variant.
Coding change: c.17153A>G on transcript NM_001374736.1 (MANE Select); coding-DNA position 17153, A replaced by G.
Protein change: p.His5718Arg; replaces histidine 5718 with arginine.
Molecular consequence: missense variant.
Genome position (GRCh38, 1-based): chr6:56,530,089, T>C on the plus strand (A>G on the coding strand, the complement: DST is on the minus strand). VCF-style: chr6-56530089-T-C. GRCh37 (hg19) VCF-style: chr6-56394887-T-C.
Other names: c.10796A>G, p.His3599Arg (NM_001144769.5); c.10382A>G, p.His3461Arg (NM_001144770.2); c.17153A>G, p.His5718Arg (NM_001374722.1); c.16520A>G, p.His5507Arg (NM_001374729.1); c.10262A>G, p.His3421Arg (NM_001374730.1, NM_183380.4); c.17180A>G, p.His5727Arg (NM_001374734.1); c.9284A>G, p.His3095Arg (NM_015548.5); short protein forms H5727R, H3421R, H3461R, H5718R, H3095R, H3599R, H5507R.
Identifiers: ClinVar variation 965419 (VCV000965419.6), dbSNP rs757364222, ClinGen allele CA3867503.

ClinVar aggregate classification (germline): Uncertain significance (1 of 4 stars; one submission).

Conditions:
Hereditary sensory and autonomic neuropathy type 6. Also called: Neuropathy, hereditary sensory and autonomic, type VI; HSAN VI. Identifiers: Orphanet 314381, MedGen C3539003, MONDO:0013839, OMIM 614653.
Epidermolysis bullosa simplex 3, localized or generalized intermediate, with BP230 deficiency (EBS3). Also called: Epidermolysis bullosa simplex, autosomal recessive 2; Epidermolysis bullosa simplex due to BP230 deficiency. Identifiers: Orphanet 412181, MedGen C3809470, MONDO:0014180, OMIM 615425.

Allele frequency attached by ClinVar (database versions not stated): gnomAD exomes below 0.00001; ExAC 0.00001; gnomAD 0.00001.
gnomAD v4.1: 4 of 1,610,880 alleles (0.00025%); highest among the groups gnomAD compares: Admixed American, 0.0017%; no homozygotes.

Submission:

Labcorp Genetics (formerly Invitae), Labcorp
Classification: Uncertain significance for Epidermolysis bullosa simplex 3, localized or generalized intermediate, with BP230 deficiency; Hereditary sensory and autonomic neuropathy type 6. Last evaluated: 2019-06-22. Review status: criteria provided, single submitter. Criteria: Invitae Variant Classification Sherloc (09022015). Collection method: clinical testing. Allele origin: germline.
Comment: In summary, the available evidence is currently insufficient to determine the role of this variant in disease. Therefore, it has been classified as a Variant of Uncertain Significance. Algorithms developed to predict the effect of missense changes on protein structure and function are either unavailable or do not agree on the potential impact of this missense change (SIFT: "Tolerated"; PolyPhen-2: "Not Available"; Align-GVGD: "Class C0"). This variant has not been reported in the literature in individuals with DST-related conditions. This variant is present in population databases (rs757364222, ExAC 0.01%). This sequence change replaces histidine with arginine at codon 3095 of the DST protein (p.His3095Arg). The histidine residue is highly conserved and there is a small physicochemical difference between histidine and arginine. The DST gene has multiple clinically relevant transcripts. The p.His3095Arg variant occurs in alternate transcript NM_015548.4, which corresponds to c.*85428A>G in NM_001723.5, the primary transcript listed in the Methods.